The following is an entry in ClinVar:

NM_000088.4(COL1A1):c.750+12G>T

Genes: COL1A1 (collagen type I alpha 1 chain; minus strand), LOC126862586 (CDK7 strongly-dependent group 2 enhancer GRCh37_chr17:48273702-48274901; plus strand). Cytogenetic location: 17q21.33.
Variant type: single nucleotide variant.
Coding change: c.750+12G>T on transcript NM_000088.4 (MANE Select); 12 bases into the intron after coding-DNA position 750, G replaced by T.
Molecular consequence: intron variant.
Genome position (GRCh38, 1-based): chr17:50,197,168, C>A on the plus strand (G>T on the coding strand, the complement: COL1A1 is on the minus strand). VCF-style: chr17-50197168-C-A. GRCh37 (hg19) VCF-style: chr17-48274529-C-A.
Identifiers: ClinVar variation 506737 (VCV000506737.22), dbSNP rs79480112, ClinGen allele CA8645570.

ClinVar aggregate classification (germline): Benign/Likely benign. Review status: criteria provided, multiple submitters, no conflicts (2 of 4 stars). 8 submissions from 6 submitters: Benign (6); Likely benign (2). Last evaluated 2026-02-03.

Conditions:
Ehlers-Danlos syndrome, arthrochalasia type. Also called: ARTHROCHALASIS MULTIPLEX CONGENITA; EDS VII, MUTANT PROCOLLAGEN TYPE; EDS VIIA; Ehlers-Danlos syndrome, arthrochalasis type; Ehlers-Danlos syndrome, arthrochalasia type, 1. Identifiers: Orphanet 1899, Orphanet 99875, Orphanet 99876, MedGen C4551623, MONDO:0007525, OMIM 130060.
Infantile cortical hyperostosis. Also called: Caffey Disease; P1PK BLOOD GROUP SYSTEM, P(2) PHENOTYPE; Hyperostosis, Cortical, Congenital. Identifiers: Orphanet 1310, MedGen C0020497, MONDO:0007244, OMIM 114000.
Osteogenesis imperfecta (OI). Identifiers: Orphanet 666, MedGen C0029434, MeSH D010013, MONDO:0019019.
Osteogenesis imperfecta type I (OI1). Also called: Classic Non-deforming Osteogenesis Imperfecta with Blue Sclerae; Osteogenesis imperfecta type 1; Lobstein disease; OI, TYPE I; OSTEOGENESIS IMPERFECTA TARDA; OSTEOGENESIS IMPERFECTA WITH BLUE SCLERAE. Identifiers: Orphanet 216796, Orphanet 666, MedGen C0023931, MONDO:0008146, OMIM 166200. Disease mechanism: loss of function.

Allele frequency attached by ClinVar (database versions not stated): 1000 Genomes Project 0.00419; gnomAD 0.00434; ESP Exome Variant Server 0.00438; TOPMed 0.00451; 1000 Genomes Project 30x 0.00468.
gnomAD v4.1: 1,143 of 1,613,880 alleles (0.071%); highest among the groups gnomAD compares: African/African-American, 1.4%; 11 homozygotes.

Submissions (8):

Labcorp Genetics (formerly Invitae), Labcorp
Classification: Benign for Osteogenesis imperfecta type I. Last evaluated: 2026-02-03. Review status: criteria provided, single submitter. Criteria: Invitae Variant Classification Sherloc (09022015). Collection method: clinical testing. Allele origin: germline.

Women's Health and Genetics/Laboratory Corporation of America, LabCorp
Classification: Benign. Last evaluated: 2025-01-07. Review status: criteria provided, single submitter. Criteria: LabCorp Variant Classification Summary - May 2015. Collection method: clinical testing. Allele origin: germline.
Comment: Variant summary: COL1A1 c.750+12G>T alters a nucleotide located at a position not widely known to affect splicing. Consensus agreement among computation tools predict no significant impact on normal splicing (TrAP). However, these predictions have yet to be confirmed by functional studies. The variant allele was found at a frequency of 0.0011 in 251460 control chromosomes in the gnomAD database, including 4 homozygotes. The observed variant frequency is approximately 38.035 fold of the estimated maximal expected allele frequency for a pathogenic variant in COL1A1 causing Osteogenesis Imperfecta phenotype (2.8e-05). To our knowledge, no occurrence of c.750+12G>T in individuals affected with Osteogenesis Imperfecta and no experimental evidence demonstrating its impact on protein function have been reported. ClinVar contains an entry for this variant (Variation ID: 506737). Based on the evidence outlined above, the variant was classified as benign.

Athena Diagnostics
Classification: Benign. Last evaluated: 2024-12-24. Review status: criteria provided, single submitter. Criteria: Athena Diagnostics Criteria. Collection method: clinical testing. Allele origin: unknown.
Comment: The frequency of this variant in the general population is higher than would generally be expected for pathogenic variants in this gene.

Illumina Laboratory Services, Illumina
Classification: Benign for Osteogenesis imperfecta. Last evaluated: 2018-01-12. Review status: criteria provided, single submitter. Criteria: ICSL Variant Classification Criteria 13 December 2019. Collection method: clinical testing. Allele origin: germline.
Comment: This variant was observed in the ICSL laboratory as part of a predisposition screen in an ostensibly healthy population. It had not been previously curated by ICSL or reported in the Human Gene Mutation Database (HGMD: prior to June 1st, 2018), and was therefore a candidate for classification through an automated scoring system. Utilizing variant allele frequency, disease prevalence and penetrance estimates, and inheritance mode, an automated score was calculated to assess if this variant is too frequent to cause the disease. Based on the score and internal cut-off values, a variant classified as benign is not then subjected to further curation. The score for this variant resulted in a classification of benign for this disease.

Illumina Laboratory Services, Illumina
Classification: Benign for Ehlers-Danlos syndrome, arthrochalasia type. Last evaluated: 2018-01-12. Review status: criteria provided, single submitter. Criteria: ICSL Variant Classification Criteria 13 December 2019. Collection method: clinical testing. Allele origin: germline.
Comment: the same text as in the submission from Illumina Laboratory Services, Illumina above.

Illumina Laboratory Services, Illumina
Classification: Likely benign for Infantile cortical hyperostosis. Last evaluated: 2018-01-12. Review status: criteria provided, single submitter. Criteria: ICSL Variant Classification Criteria 13 December 2019. Collection method: clinical testing. Allele origin: germline.
Comment: This variant was observed in the ICSL laboratory as part of a predisposition screen in an ostensibly healthy population. It had not been previously curated by ICSL or reported in the Human Gene Mutation Database (HGMD: prior to June 1st, 2018), and was therefore a candidate for classification through an automated scoring system. Utilizing variant allele frequency, disease prevalence and penetrance estimates, and inheritance mode, an automated score was calculated to assess if this variant is too frequent to cause the disease. Based on the score and internal cut-off values, a variant classified as likely benign is not then subjected to further curation. The score for this variant resulted in a classification of likely benign for this disease.

GeneDx
Classification: Benign. Last evaluated: 2017-07-20. Review status: criteria provided, single submitter. Criteria: GeneDx Variant Classification (06012015). Collection method: clinical testing. Allele origin: germline. Affected: yes.
Comment: This variant is considered likely benign or benign based on one or more of the following criteria: it is a conservative change, it occurs at a poorly conserved position in the protein, it is predicted to be benign by multiple in silico algorithms, and/or has population frequency not consistent with disease.

Breakthrough Genomics
Classification: Likely benign. Review status: criteria provided, single submitter. Criteria: ACMG Guidelines, 2015. Collection method: not provided. Allele origin: germline. Inheritance: Autosomal dominant inheritance. Affected: yes.